The following is an entry in ClinVar:

ClinVar aggregate classification (germline): Uncertain significance. Review status: criteria provided, multiple submitters, no conflicts (2 of 4 stars). 7 submissions from 7 submitters: Uncertain significance (7). Last evaluated 2025-11-17.

Conditions:
ALPK3-related disorder. Also called: ALPK3-related condition.
Cardiomyopathy, familial hypertrophic 27. Identifiers: MedGen C4748014, MONDO:0054838, OMIM 618052.
Cardiovascular phenotype. Identifiers: MedGen CN230736.

Allele frequency attached by ClinVar (database versions not stated): gnomAD 0.00004 and 0.00005; gnomAD exomes 0.00004 and 0.00006; TOPMed 0.00006; ExAC 0.00008; ESP Exome Variant Server 0.00008.
gnomAD v4.1: 73 of 1,614,028 alleles (0.0045%); highest among the groups gnomAD compares: Middle Eastern, 0.31%; no homozygotes.

Submissions (7):

PreventionGenetics, part of Exact Sciences
Classification: Uncertain significance for ALPK3-related condition. Last evaluated: 2025-11-17. Review status: criteria provided, single submitter. Criteria: ACMG Guidelines, 2015. Collection method: clinical testing. Allele origin: germline.
Comment: The ALPK3 c.928G>A variant is predicted to result in the amino acid substitution p.Val310Met. To our knowledge, this variant has not been reported in the literature. This variant is reported in 0.011% of alleles in individuals of European (Non-Finnish) descent in gnomAD. At this time, the clinical significance of this variant is uncertain due to the absence of conclusive functional and genetic evidence.

Labcorp Genetics (formerly Invitae), Labcorp
Classification: Uncertain significance. Last evaluated: 2025-10-28. Review status: criteria provided, single submitter. Criteria: Invitae Variant Classification Sherloc (09022015). Collection method: clinical testing. Allele origin: germline.
Comment: This sequence change replaces valine, which is neutral and non-polar, with methionine, which is neutral and non-polar, at codon 310 of the ALPK3 protein (p.Val310Met). This variant is present in population databases (rs151295172, gnomAD 0.01%). This variant has not been reported in the literature in individuals affected with ALPK3-related conditions. ClinVar contains an entry for this variant (Variation ID: 1028192). An algorithm developed to predict the effect of missense changes on protein structure and function (PolyPhen-2) suggests that this variant is likely to be disruptive. In summary, the available evidence is currently insufficient to determine the role of this variant in disease. Therefore, it has been classified as a Variant of Uncertain Significance.

Molecular Diagnostic Laboratory for Inherited Cardiovascular Disease, Montreal Heart Institute
Classification: Uncertain significance for Cardiovascular phenotype. Last evaluated: 2025-04-09. Review status: criteria provided, single submitter. Criteria: ACMG Guidelines, 2015. Collection method: clinical testing. Allele origin: germline. Affected: yes.

Blueprint Genetics
Classification: Uncertain significance. Last evaluated: 2024-09-17. Review status: criteria provided, single submitter. Criteria: ACMG Guidelines, 2015. Collection method: clinical testing. Allele origin: germline.

GeneDx
Classification: Uncertain significance. Last evaluated: 2024-03-28. Review status: criteria provided, single submitter. Criteria: GeneDx Variant Classification Process June 2021. Collection method: clinical testing. Allele origin: germline. Affected: yes.
Comment: Has not been previously published as pathogenic or benign to our knowledge; Not observed at significant frequency in large population cohorts (gnomAD); In silico analysis supports that this missense variant does not alter protein structure/function

Ambry Genetics
Classification: Uncertain significance for Cardiovascular phenotype. Last evaluated: 2023-10-06. Review status: criteria provided, single submitter. Criteria: Ambry Variant Classification Scheme 2023. Collection method: clinical testing. Allele origin: germline.
Comment: The p.V310M variant (also known as c.928G>A), located in coding exon 4 of the ALPK3 gene, results from a G to A substitution at nucleotide position 928. The valine at codon 310 is replaced by methionine, an amino acid with highly similar properties. This amino acid position is well conserved in available vertebrate species. In addition, the in silico prediction for this alteration is inconclusive. Since supporting evidence is limited at this time, the clinical significance of this alteration remains unclear.

Baylor Genetics
Classification: Uncertain significance for Cardiomyopathy, familial hypertrophic 27. Last evaluated: 2019-12-12. Review status: criteria provided, single submitter. Criteria: ACMG Guidelines, 2015. Collection method: clinical testing. Allele origin: unknown. Affected: yes.
Comment: This variant was determined to be of uncertain significance according to ACMG Guidelines, 2015 [PMID:25741868].

NM_020778.5(ALPK3):c.322G>A (p.Val108Met)

Gene: ALPK3 (alpha kinase 3; plus strand). Cytogenetic location: 15q25.3.
Variant type: single nucleotide variant.
Coding change: c.322G>A on transcript NM_020778.5 (MANE Select); coding-DNA position 322, G replaced by A.
Protein change: p.Val108Met; replaces valine 108 with methionine.
Molecular consequence: missense variant.
Genome position (GRCh38, 1-based): chr15:84,838,997, G>A. VCF-style: chr15-84838997-G-A. GRCh37 (hg19) VCF-style: chr15-85382228-G-A.
Other names: short protein forms V108M.
Identifiers: ClinVar variation 1028192 (VCV001028192.14), dbSNP rs151295172, ClinGen allele CA7708940.